The following is an entry in ClinVar:

ClinVar aggregate classification (germline): Conflicting classifications of pathogenicity. Review status: criteria provided, conflicting classifications (1 of 4 stars). 2 submissions from 2 submitters: Uncertain significance (1); Likely benign (1). Last evaluated 2025-04-03.

Conditions:
Inborn genetic diseases. Identifiers: MedGen C0950123, MeSH D030342.

Allele frequency attached by ClinVar (database versions not stated): TOPMed 0.00002; gnomAD 0.00006; gnomAD exomes 0.00007.
gnomAD v4.1: 79 of 1,613,810 alleles (0.0049%); highest among the groups gnomAD compares: East Asian, 0.031%; no homozygotes.

Submissions (2):

Labcorp Genetics (formerly Invitae), Labcorp
Classification: Uncertain significance. Last evaluated: 2025-04-03. Review status: criteria provided, single submitter. Criteria: Invitae Variant Classification Sherloc (09022015). Collection method: clinical testing. Allele origin: germline.
Comment: This sequence change replaces valine, which is neutral and non-polar, with isoleucine, which is neutral and non-polar, at codon 1940 of the FN1 protein (p.Val1940Ile). This variant is present in population databases (rs780172775, gnomAD 0.01%), and has an allele count higher than expected for a pathogenic variant. This variant has not been reported in the literature in individuals affected with FN1-related conditions. ClinVar contains an entry for this variant (Variation ID: 1445700). An algorithm developed to predict the effect of missense changes on protein structure and function outputs the following: PolyPhen-2: "Benign". The isoleucine amino acid residue is found in multiple mammalian species, which suggests that this missense change does not adversely affect protein function. In summary, the available evidence is currently insufficient to determine the role of this variant in disease. Therefore, it has been classified as a Variant of Uncertain Significance.

Ambry Genetics
Classification: Likely benign for Inborn genetic diseases. Last evaluated: 2023-12-27. Review status: criteria provided, single submitter. Criteria: Ambry Variant Classification Scheme 2023. Collection method: clinical testing. Allele origin: germline.

NM_212482.4(FN1):c.5818G>A (p.Val1940Ile)

Gene: FN1 (fibronectin 1; minus strand). Cytogenetic location: 2q35.
Variant type: single nucleotide variant.
Coding change: c.5818G>A on transcript NM_212482.4 (MANE Select); coding-DNA position 5818, G replaced by A.
Protein change: p.Val1940Ile; replaces valine 1940 with isoleucine.
Molecular consequence: missense variant.
Genome position (GRCh38, 1-based): chr2:215,376,567, C>T on the plus strand (G>A on the coding strand, the complement: FN1 is on the minus strand). VCF-style: chr2-215376567-C-T. GRCh37 (hg19) VCF-style: chr2-216241290-C-T.
Other names: c.5818G>A, p.Val1940Ile (NM_001306129.2); c.5548G>A, p.Val1850Ile (NM_001306130.2, NM_001365517.2, NM_001365519.2 and 2 more transcripts); c.5275G>A, p.Val1759Ile (NM_001306131.2, NM_001306132.2, NM_001365523.2 and 2 more transcripts); c.5545G>A, p.Val1849Ile (NM_001365518.2, NM_001365520.2, NM_001365524.2 and 2 more transcripts); c.5818G>A (NM_212482.1); short protein forms V1759I, V1850I, V1940I, V1849I.
Identifiers: ClinVar variation 1445700 (VCV001445700.9), dbSNP rs780172775, ClinGen allele CA2094029.